The following is an entry in ClinVar:

ClinVar aggregate classification (germline): Uncertain significance (1 of 4 stars; one submission).

Conditions:
LAMA2-related muscular dystrophy (LAMA2-RD). Also called: Laminin alpha 2-related dystrophy. Identifiers: MedGen C5679788, MONDO:0100228.

Submission:

Labcorp Genetics (formerly Invitae), Labcorp
Classification: Uncertain significance for LAMA2-related muscular dystrophy. Last evaluated: 2023-06-27. Review status: criteria provided, single submitter. Criteria: Invitae Variant Classification Sherloc (09022015). Collection method: clinical testing. Allele origin: germline.
Comment: This variant is not present in population databases (gnomAD no frequency). In summary, the available evidence is currently insufficient to determine the role of this variant in disease. Therefore, it has been classified as a Variant of Uncertain Significance. Advanced modeling of protein sequence and biophysical properties (such as structural, functional, and spatial information, amino acid conservation, physicochemical variation, residue mobility, and thermodynamic stability) has been performed at Invitae for this missense variant, however the output from this modeling did not meet the statistical confidence thresholds required to predict the impact of this variant on LAMA2 protein function. This variant has not been reported in the literature in individuals affected with LAMA2-related conditions. This sequence change replaces cysteine, which is neutral and slightly polar, with tyrosine, which is neutral and polar, at codon 1108 of the LAMA2 protein (p.Cys1108Tyr).

NM_000426.4(LAMA2):c.3323G>A (p.Cys1108Tyr)

Gene: LAMA2 (laminin subunit alpha 2; plus strand). Cytogenetic location: 6q22.33.
Variant type: single nucleotide variant.
Coding change: c.3323G>A on transcript NM_000426.4 (MANE Select); coding-DNA position 3323, G replaced by A.
Protein change: p.Cys1108Tyr; replaces cysteine 1108 with tyrosine.
Molecular consequence: missense variant.
Genome position (GRCh38, 1-based): chr6:129,313,009, G>A. VCF-style: chr6-129313009-G-A. GRCh37 (hg19) VCF-style: chr6-129634154-G-A.
Other names: c.3323G>A, p.Cys1108Tyr (NM_001079823.2); short protein forms C1108Y.
Identifiers: ClinVar variation 2730623 (VCV002730623.3), dbSNP rs2482399904, ClinGen allele CA365611959.